The following is an entry in ClinVar:

ClinVar aggregate classification (germline): Pathogenic/Likely pathogenic. Review status: criteria provided, multiple submitters, no conflicts (2 of 4 stars). 2 submissions from 2 submitters: Pathogenic (1); Likely pathogenic (1). Last evaluated 2025-08-25.

Conditions:
Hereditary cancer-predisposing syndrome. Also called: Neoplastic Syndromes, Hereditary; Tumor predisposition; Hereditary Cancer Syndrome; Hereditary neoplastic syndrome. Identifiers: Orphanet 140162, MedGen C0027672, MeSH D009386, MONDO:0015356.
Familial adenomatous polyposis 1 (FAP1). Also called: FAMILIAL ADENOMATOUS POLYPOSIS 1, ATTENUATED; POLYPOSIS, ADENOMATOUS INTESTINAL. Identifiers: MedGen C2713442, MONDO:0021056, OMIM 175100. Disease mechanism: loss of function.

Submissions (2):

Ambry Genetics
Classification: Likely pathogenic for Hereditary cancer-predisposing syndrome. Last evaluated: 2025-08-25. Review status: criteria provided, single submitter. Criteria: Ambry Variant Classification Scheme 2023. Collection method: clinical testing. Allele origin: germline.
Comment: The p.L1277* variant (also known as c.3830T>G), located in coding exon 15 of the APC gene, results from a T to G substitution at nucleotide position 3830. This changes the amino acid from a leucine to a stop codon within coding exon 15. This alteration occurs at the 3' terminus of theAPC gene, is not expected to trigger nonsense-mediated mRNA decay, and impacts the last 55% of the protein. However, premature stop codons are typically deleterious in nature and the impacted region is critical for protein function (Ambry internal data). This variant is considered to be rare based on population cohorts in the Genome Aggregation Database (gnomAD). Based on the majority of available evidence to date, this variant is likely to be pathogenic.

Labcorp Genetics (formerly Invitae), Labcorp
Classification: Pathogenic for Familial adenomatous polyposis 1. Last evaluated: 2024-08-08. Review status: criteria provided, single submitter. Criteria: Invitae Variant Classification Sherloc (09022015). Collection method: clinical testing. Allele origin: germline.
Comment: This sequence change creates a premature translational stop signal (p.Leu1277*) in the APC gene. While this is not anticipated to result in nonsense mediated decay, it is expected to disrupt the last 1567 amino acid(s) of the APC protein. This variant is not present in population databases (gnomAD no frequency). This premature translational stop signal has been observed in individuals with familial adenomatous polyposis (PMID: 23159591). ClinVar contains an entry for this variant (Variation ID: 188239). This variant disrupts a region of the APC protein in which other variant(s) (p.Tyr2645Lysfs*14) have been determined to be pathogenic (PMID: 1316610, 8381579, 9824584, 22135120, 27081525; Invitae). This suggests that this is a clinically significant region of the protein, and that variants that disrupt it are likely to be disease-causing. For these reasons, this variant has been classified as Pathogenic.

Literature cited by the submitters: PubMed 23159591 (cited by Labcorp Genetics (formerly Invitae), Labcorp); PubMed 1316610 (cited by Labcorp Genetics (formerly Invitae), Labcorp); PubMed 8381579 (cited by Labcorp Genetics (formerly Invitae), Labcorp); PubMed 9824584 (cited by Labcorp Genetics (formerly Invitae), Labcorp); PubMed 22135120 (cited by Labcorp Genetics (formerly Invitae), Labcorp); PubMed 27081525 (cited by Labcorp Genetics (formerly Invitae), Labcorp).

NM_000038.6(APC):c.3830T>G (p.Leu1277Ter)

Gene: APC (APC regulator of Wnt signaling pathway; plus strand). Cytogenetic location: 5q22.2.
Variant type: single nucleotide variant.
Coding change: c.3830T>G on transcript NM_000038.6 (MANE Select); coding-DNA position 3830, T replaced by G.
Protein change: p.Leu1277Ter; replaces leucine 1277 with a stop codon.
Molecular consequence: nonsense.
Genome position (GRCh38, 1-based): chr5:112,839,424, T>G. VCF-style: chr5-112839424-T-G. GRCh37 (hg19) VCF-style: chr5-112175121-T-G.
Other names: c.3830T>G, p.Leu1277Ter (NM_001127510.3, NM_001354895.2); c.3776T>G, p.Leu1259Ter (NM_001127511.3); c.3884T>G, p.Leu1295Ter (NM_001354896.2); c.3860T>G, p.Leu1287Ter (NM_001354897.2); c.3755T>G, p.Leu1252Ter (NM_001354898.2); c.3746T>G, p.Leu1249Ter (NM_001354899.2); c.3707T>G, p.Leu1236Ter (NM_001354900.2); c.3653T>G, p.Leu1218Ter (NM_001354901.2); and 5 more; short protein forms L1259*, L1277*, L1117*, L1186*, L1218*, L1249*, L1252*, L994*.
Identifiers: ClinVar variation 188239 (VCV000188239.10), dbSNP rs786204169, ClinGen allele CA008704.
Genomic context (GRCh38, chr5:112,839,424, plus strand): 5'-AAACAATACAGACTTATTGTGTAGAAGATACTCCAATATGTTTTTCAAGATGTAGTTCAT[T>G]ATCATCTTTGTCATCAGCTGAAGATGAAATAGGATGTAATCAGACGACACAGGAAGCAGA-3'